The following is an entry in ClinVar:

ClinVar aggregate classification (germline): Benign/Likely benign. Review status: criteria provided, multiple submitters, no conflicts (2 of 4 stars). 7 submissions from 7 submitters: Benign (3); Likely benign (3). 1 of the submissions does not count toward it. Last evaluated 2026-01-28.

Conditions:
Infantile cerebral and cerebellar atrophy with postnatal progressive microcephaly (MSBA). Identifiers: Orphanet 402364, MedGen C3150921, MONDO:0013351, OMIM 613668.

Allele frequency attached by ClinVar (database versions not stated): ExAC 0.00392; gnomAD 0.01118 and 0.01172; TOPMed 0.01171; ESP Exome Variant Server 0.01277; 1000 Genomes Project 0.01617; 1000 Genomes Project 30x 0.01780.
gnomAD v4.1: 3,384 of 1,601,822 alleles (0.21%); highest among the groups gnomAD compares: African/African-American, 3.7%; 65 homozygotes.

Submissions (7):

Labcorp Genetics (formerly Invitae), Labcorp
Classification: Benign. Last evaluated: 2026-01-28. Review status: criteria provided, single submitter. Criteria: Invitae Variant Classification Sherloc (09022015). Collection method: clinical testing. Allele origin: germline.

Mayo Clinic Laboratories, Mayo Clinic
Classification: Benign. Last evaluated: 2024-11-25. Review status: criteria provided, single submitter. Criteria: ACMG Guidelines, 2015. Collection method: clinical testing. Allele origin: germline. Observed: 1 variant allele.
Comment: BS1, BS2, BP4, BP7

Fulgent Genetics
Classification: Likely benign for Infantile cerebral and cerebellar atrophy with postnatal progressive microcephaly. Last evaluated: 2021-08-17. Review status: criteria provided, single submitter. Criteria: ACMG Guidelines, 2015. Collection method: clinical testing. Allele origin: unknown.

GeneDx
Classification: Likely benign. Last evaluated: 2021-04-03. Review status: criteria provided, single submitter. Criteria: GeneDx Variant Classification Process June 2021. Collection method: clinical testing. Allele origin: germline. Affected: yes.

Genetic Services Laboratory, University of Chicago
Classification: Benign for AllHighlyPenetrant. Last evaluated: 2013-06-26. Review status: criteria provided, single submitter. Criteria: ACMG Guidelines, 2007. Collection method: clinical testing. Allele origin: germline. Inheritance: Autosomal recessive inheritance.

Breakthrough Genomics
Classification: Likely benign. Review status: criteria provided, single submitter. Criteria: ACMG Guidelines, 2015. Collection method: not provided. Allele origin: germline. Inheritance: Autosomal recessive inheritance. Affected: yes.

Natera, Inc.
Classification: Benign for Postnatal progressive microcephaly with seizures and brain atrophy. Last evaluated: 2020-09-16. Review status: no assertion criteria provided. Collection method: clinical testing. Allele origin: germline. Not counted in ClinVar's aggregate classification.

NM_004268.5(MED17):c.1482A>G (p.Gln494=)

Gene: MED17 (mediator complex subunit 17; plus strand). Cytogenetic location: 11q21.
Variant type: single nucleotide variant.
Coding change: c.1482A>G on transcript NM_004268.5 (MANE Select); coding-DNA position 1482, A replaced by G.
Protein change: p.Gln494=; no amino-acid change (glutamine 494 retained).
Molecular consequence: synonymous variant.
Genome position (GRCh38, 1-based): chr11:93,807,533, A>G. VCF-style: chr11-93807533-A-G. GRCh37 (hg19) VCF-style: chr11-93540699-A-G.
Other names: p.Gln494=.
Identifiers: ClinVar variation 129595 (VCV000129595.21), dbSNP rs34380494, ClinGen allele CA153670.
Genomic context (GRCh38, chr11:93,807,533, plus strand): 5'-GATAATTTTGAACATCTCTGATTTTTAGTATGTGTGTCTATAAAGGTCCATTCAACTGCA[A>G]TTGAATATTGGAGTTGAGCAGATTCGAGTTGTACATAGAGATGGAAGAGTAATTACACTG-3'
Protein context (NP_004259.3, residues 484-504): YEQICKSIQL[Gln494=]LNIGVEQIRV